The following is an entry in ClinVar:

NM_007294.4(BRCA1):c.5404A>T (p.Thr1802Ser)

Gene: BRCA1 (BRCA1 DNA repair associated; minus strand). Cytogenetic location: 17q21.31.
Variant type: single nucleotide variant.
Coding change: c.5404A>T on transcript NM_007294.4 (MANE Select); coding-DNA position 5404, A replaced by T.
Protein change: p.Thr1802Ser; replaces threonine 1802 with serine.
Molecular consequence: missense variant. On other transcripts: non-coding transcript variant (1), intron variant (1).
Genome position (GRCh38, 1-based): chr17:43,049,123, T>A on the plus strand (A>T on the coding strand, the complement: BRCA1 is on the minus strand). VCF-style: chr17-43049123-T-A. GRCh37 (hg19) VCF-style: chr17-41201140-T-A.
Other names: c.1972A>T, p.Thr658Ser (NM_001408430.1, NM_001408425.1, NM_001408426.1 and 4 more transcripts); c.1969A>T, p.Thr657Ser (NM_001408441.1, NM_001408442.1, NM_001408443.1 and 10 more transcripts); c.1966A>T, p.Thr656Ser (NM_001408445.1, NM_001408446.1, NM_001408447.1 and 2 more transcripts); c.1951A>T, p.Thr651Ser (NM_001408461.1, NM_001408462.1, NM_001408463.1 and 7 more transcripts); c.1948A>T, p.Thr650Ser (NM_001408468.1, NM_001408469.1, NM_001408470.1); c.1882A>T, p.Thr628Ser (NM_001408484.1, NM_001408485.1, NM_001408489.1 and 5 more transcripts); c.1879A>T, p.Thr627Ser (NM_001408492.1, NM_001408493.1); c.1855A>T, p.Thr619Ser (NM_001408494.1); and 73 more; short protein forms T1802S, T1755S, T1823S, T698S, T1675S, T1689S, T1690S, T1714S.
Identifiers: ClinVar variation 868052 (VCV000868052.3), dbSNP rs1555575080, ClinGen allele CA10590669.

Conditions:
Breast-ovarian cancer, familial, susceptibility to, 1 (BROVCA1). Also called: BRCA1 Hereditary Breast and Ovarian Cancer; OVARIAN CANCER, SUSCEPTIBILITY TO. Identifiers: Orphanet 145, MedGen C2676676, MONDO:0011450, OMIM 604370. Disease mechanism: loss of function.

Submission:

Brotman Baty Institute, University of Washington
No classification provided (evidence only). Condition: Breast-ovarian cancer, familial 1. Review status: no classification provided. Collection method: in vitro. Allele origin: not applicable. Functional consequence: functionally_normal.
ClinVar note: "not provided" was previously submitted as the classification for the variant. However, the classification appeared to be based only on an observation of functional data so it was converted to no classification on 2025-07-30.